The following is an entry in ClinVar:

ClinVar aggregate classification (germline): Benign. Review status: criteria provided, multiple submitters, no conflicts (2 of 4 stars). 12 submissions from 6 submitters: Benign (12). Last evaluated 2026-02-01.

Conditions:
Age related macular degeneration 4. Identifiers: MedGen C1853147, MONDO:0012540, OMIM 610698.
Factor H deficiency (CFHD). Also called: CFH DEFICIENCY; COMPLEMENT FACTOR H DEFICIENCY. Identifiers: Orphanet 200421, MedGen C0398777, MONDO:0012350, OMIM 609814.
CFH-Related Dense Deposit Disease / Membranoproliferative Glomerulonephritis Type II. Identifiers: MedGen CN071292.
Basal laminar drusen. Also called: DRUSEN OF BRUCH MEMBRANE; DRUSEN, CUTICULAR; DRUSEN, EARLY ADULT-ONSET, GROUPED. Identifiers: Orphanet 75376, MedGen C0730295, MONDO:0007472, OMIM 126700.
Hemolytic uremic syndrome, atypical, susceptibility to, 1. Also called: AHUS, SUSCEPTIBILITY TO, 1. Identifiers: Orphanet 2134, Orphanet 90038, MedGen C2749604, MONDO:0009335, OMIM 235400. Disease mechanism: Other.

Allele frequency attached by ClinVar (database versions not stated): gnomAD exomes 0.00152; ExAC 0.00509; gnomAD 0.01440; ESP Exome Variant Server 0.01592; TOPMed 0.01701; 1000 Genomes Project 0.01917; 1000 Genomes Project 30x 0.02014.

Submissions (12):

Labcorp Genetics (formerly Invitae), Labcorp
Classification: Benign. Last evaluated: 2026-02-01. Review status: criteria provided, single submitter. Criteria: Invitae Variant Classification Sherloc (09022015). Collection method: clinical testing. Allele origin: germline.

Women's Health and Genetics/Laboratory Corporation of America, LabCorp
Classification: Benign. Last evaluated: 2026-01-22. Review status: criteria provided, single submitter. Criteria: LabCorp Variant Classification Summary - May 2015. Collection method: clinical testing. Allele origin: germline.

Genome-Nilou Lab
Classification: Benign for Hemolytic uremic syndrome, atypical, susceptibility to, 1. Last evaluated: 2023-04-11. Review status: criteria provided, single submitter. Criteria: ACMG Guidelines, 2015. Collection method: clinical testing. Allele origin: germline. Affected: no.

Genome-Nilou Lab
Classification: Benign for Age related macular degeneration 4. Last evaluated: 2023-04-11. Review status: criteria provided, single submitter. Criteria: ACMG Guidelines, 2015. Collection method: clinical testing. Allele origin: germline. Affected: no.

Genome-Nilou Lab
Classification: Benign for Basal laminar drusen. Last evaluated: 2023-04-11. Review status: criteria provided, single submitter. Criteria: ACMG Guidelines, 2015. Collection method: clinical testing. Allele origin: germline. Affected: no.

Genome-Nilou Lab
Classification: Benign for Factor H deficiency. Last evaluated: 2023-04-11. Review status: criteria provided, single submitter. Criteria: ACMG Guidelines, 2015. Collection method: clinical testing. Allele origin: germline. Affected: no.

Mayo Clinic Laboratories, Mayo Clinic
Classification: Benign. Last evaluated: 2022-03-10. Review status: criteria provided, single submitter. Criteria: ACMG Guidelines, 2015. Collection method: clinical testing. Allele origin: germline. Observed: 98 variant alleles.

Illumina Laboratory Services, Illumina
Classification: Benign for Age related macular degeneration 4. Last evaluated: 2018-01-13. Review status: criteria provided, single submitter. Criteria: ICSL Variant Classification Criteria 13 December 2019. Collection method: clinical testing. Allele origin: germline.
Comment: This variant was observed in the ICSL laboratory as part of a predisposition screen in an ostensibly healthy population. It had not been previously curated by ICSL or reported in the Human Gene Mutation Database (HGMD: prior to June 1st, 2018), and was therefore a candidate for classification through an automated scoring system. Utilizing variant allele frequency, disease prevalence and penetrance estimates, and inheritance mode, an automated score was calculated to assess if this variant is too frequent to cause the disease. Based on the score and internal cut-off values, a variant classified as benign is not then subjected to further curation. The score for this variant resulted in a classification of benign for this disease.

Illumina Laboratory Services, Illumina
Classification: Benign for Basal laminar drusen. Last evaluated: 2018-01-13. Review status: criteria provided, single submitter. Criteria: ICSL Variant Classification Criteria 13 December 2019. Collection method: clinical testing. Allele origin: germline.
Comment: the same text as in the submission from Illumina Laboratory Services, Illumina above.

Illumina Laboratory Services, Illumina
Classification: Benign for Membranoproliferative glomerulonephritis with complement factor h deficiency. Last evaluated: 2018-01-13. Review status: criteria provided, single submitter. Criteria: ICSL Variant Classification Criteria 13 December 2019. Collection method: clinical testing. Allele origin: germline.
Comment: the same text as in the submission from Illumina Laboratory Services, Illumina above.

Illumina Laboratory Services, Illumina
Classification: Benign for Hemolytic uremic syndrome, atypical, susceptibility to, 1. Last evaluated: 2018-01-13. Review status: criteria provided, single submitter. Criteria: ICSL Variant Classification Criteria 13 December 2019. Collection method: clinical testing. Allele origin: germline.
Comment: the same text as in the submission from Illumina Laboratory Services, Illumina above.

Breakthrough Genomics
Classification: Benign. Review status: criteria provided, single submitter. Criteria: ACMG Guidelines, 2015. Collection method: not provided. Allele origin: germline. Inheritance: Autosomal recessive inheritance. Affected: yes.

NM_000186.4(CFH):c.1428A>G (p.Gln476=)

Gene: CFH (complement factor H; plus strand). Cytogenetic location: 1q31.3.
Variant type: single nucleotide variant.
Coding change: c.1428A>G on transcript NM_000186.4 (MANE Select); coding-DNA position 1428, A replaced by G.
Protein change: p.Gln476=; no amino-acid change (glutamine 476 retained).
Molecular consequence: synonymous variant.
Genome position (GRCh38, 1-based): chr1:196,713,826, A>G. VCF-style: chr1-196713826-A-G. GRCh37 (hg19) VCF-style: chr1-196682956-A-G.
Other names: p.Gln476=.
Identifiers: ClinVar variation 294492 (VCV000294492.19), dbSNP rs34399588, ClinGen allele CA1305393.
Genomic context (GRCh38, chr1:196,713,826, plus strand): 5'-GAATGGGTTTATTTCTGAATCTCAGTATACATATGCCTTAAAAGAAAAAGCGAAATATCA[A>G]TGCAAACTAGGATATGTAACAGCAGATGGTGAAACATCAGGATCAATTACATGTGGGAAA-3'
Protein context (NP_000177.2, residues 466-486): TYALKEKAKY[Gln476=]CKLGYVTADG